The following is an entry in ClinVar:

ClinVar aggregate classification (germline): Uncertain significance. Review status: criteria provided, multiple submitters, no conflicts (2 of 4 stars). 2 submissions from 2 submitters: Uncertain significance (2). Last evaluated 2025-06-15.

Allele frequency attached by ClinVar (database versions not stated): ExAC 0.00004; ESP Exome Variant Server 0.00008; gnomAD 0.00001; gnomAD exomes 0.00001 and 0.00002.
gnomAD v4.1: 15 of 1,569,440 alleles (0.00096%); highest among the groups gnomAD compares: African/African-American, 0.0027%; no homozygotes.

Submissions (2):

Labcorp Genetics (formerly Invitae), Labcorp
Classification: Uncertain significance. Last evaluated: 2025-06-15. Review status: criteria provided, single submitter. Criteria: Invitae Variant Classification Sherloc (09022015). Collection method: clinical testing. Allele origin: germline.
Comment: This sequence change replaces arginine, which is basic and polar, with glutamine, which is neutral and polar, at codon 402 of the COL9A3 protein (p.Arg402Gln). This variant is present in population databases (rs373519549, gnomAD 0.008%). This missense change has been observed in individual(s) with multiple epiphyseal dysplasia (PMID: 11565064). ClinVar contains an entry for this variant (Variation ID: 1675865). Invitae Evidence Modeling of protein sequence and biophysical properties (such as structural, functional, and spatial information, amino acid conservation, physicochemical variation, residue mobility, and thermodynamic stability) indicates that this missense variant is not expected to disrupt COL9A3 protein function with a negative predictive value of 95%. In summary, the available evidence is currently insufficient to determine the role of this variant in disease. Therefore, it has been classified as a Variant of Uncertain Significance.

CeGaT Center for Human Genetics Tuebingen
Classification: Uncertain significance. Last evaluated: 2022-02-01. Review status: criteria provided, single submitter. Criteria: CeGaT Center For Human Genetics Tuebingen Variant Classification Criteria Version 2. Collection method: clinical testing. Allele origin: germline. Affected: yes. Observed: 1 variant allele.

Literature cited by the submitters: PubMed 11565064 (cited by Labcorp Genetics (formerly Invitae), Labcorp).

NM_001853.4(COL9A3):c.1205G>A (p.Arg402Gln)

Gene: COL9A3 (collagen type IX alpha 3 chain; plus strand). Cytogenetic location: 20q13.33.
Variant type: single nucleotide variant.
Coding change: c.1205G>A on transcript NM_001853.4 (MANE Select); coding-DNA position 1205, G replaced by A.
Protein change: p.Arg402Gln; replaces arginine 402 with glutamine.
Molecular consequence: missense variant.
Genome position (GRCh38, 1-based): chr20:62,830,403, G>A. VCF-style: chr20-62830403-G-A. GRCh37 (hg19) VCF-style: chr20-61461755-G-A.
Other names: short protein forms R402Q.
Identifiers: ClinVar variation 1675865 (VCV001675865.36), dbSNP rs373519549, ClinGen allele CA9949817.